The following is an entry in ClinVar:

NM_020964.3(EPG5):c.1571+7G>A

Gene: EPG5 (ectopic P-granules 5 autophagy tethering factor; minus strand). Cytogenetic location: 18q21.1.
Variant type: single nucleotide variant.
Coding change: c.1571+7G>A on transcript NM_020964.3 (MANE Select); 7 bases into the intron after coding-DNA position 1571, G replaced by A.
Molecular consequence: intron variant.
Genome position (GRCh38, 1-based): chr18:45,948,496, C>T on the plus strand (G>A on the coding strand, the complement: EPG5 is on the minus strand). VCF-style: chr18-45948496-C-T. GRCh37 (hg19) VCF-style: chr18-43528462-C-T.
Other names: c.1571+7G>A (LRG_1234t1).
Identifiers: ClinVar variation 534608 (VCV000534608.26), dbSNP rs202014798, ClinGen allele CA8949677.
Genomic context (GRCh38, chr18:45,948,496, plus strand): 5'-CAGGAGCCAATCCTTTAGAAGAAAGAAGCATTTCAATCTCTACTTCACAAAGCTCTTGCA[C>T]ACTTACTTGACAGGAGACATCAGCAGGGCAAGGGATTGCATAAAATGAAAGACCCCTGAT-3'

ClinVar aggregate classification (germline): Benign/Likely benign. Review status: criteria provided, multiple submitters, no conflicts (2 of 4 stars). 4 submissions from 4 submitters: Benign (1); Likely benign (2). 1 of the submissions does not count toward it. Last evaluated 2026-02-01.

Conditions:
EPG5-related disorder. Also called: EPG5-related condition. Identifiers: MedGen CN381528.
Vici syndrome (VICIS). Identifiers: Orphanet 1493, MedGen C1855772, MONDO:0009452, OMIM 242840.

Allele frequency attached by ClinVar (database versions not stated): gnomAD exomes 0.00035; ExAC 0.00041; ESP Exome Variant Server 0.00117; gnomAD 0.00167 and 0.00178; 1000 Genomes Project 0.00180; TOPMed 0.00196; 1000 Genomes Project 30x 0.00203.
gnomAD v4.1: 503 of 1,610,448 alleles (0.031%); highest among the groups gnomAD compares: African/African-American, 0.59%; 1 homozygote.

Submissions (4):

CeGaT Center for Human Genetics Tuebingen
Classification: Likely benign. Last evaluated: 2026-02-01. Review status: criteria provided, single submitter. Criteria: CeGaT Center For Human Genetics Tuebingen Variant Classification Criteria Version 2. Collection method: clinical testing. Allele origin: germline. Affected: yes. Observed: 2 variant alleles.
Comment: EPG5: BP4

Labcorp Genetics (formerly Invitae), Labcorp
Classification: Benign for Vici syndrome. Last evaluated: 2026-01-22. Review status: criteria provided, single submitter. Criteria: Invitae Variant Classification Sherloc (09022015). Collection method: clinical testing. Allele origin: germline.

Blueprint Genetics
Classification: Likely benign. Last evaluated: 2024-07-18. Review status: criteria provided, single submitter. Criteria: ACMG Guidelines, 2015. Collection method: clinical testing. Allele origin: germline.

PreventionGenetics, part of Exact Sciences
Classification: Likely benign for EPG5-related condition. Last evaluated: 2019-07-08. Review status: no assertion criteria provided. Collection method: clinical testing. Allele origin: germline. Not counted in ClinVar's aggregate classification.
Comment: This variant is classified as likely benign based on ACMG/AMP sequence variant interpretation guidelines (Richards et al. 2015 PMID: 25741868, with internal and published modifications).